The following is an entry in ClinVar:

ClinVar aggregate classification (germline): Likely pathogenic (1 of 4 stars; one submission).

Conditions:
Chilton-Okur-Chung neurodevelopmental syndrome (CHOCNS). Identifiers: MedGen C5677022, MONDO:0859239, OMIM 619841.

Submission:

Variantyx, Inc.
Classification: Likely pathogenic for Chilton-Okur-Chung neurodevelopmental syndrome. Last evaluated: 2025-05-13. Review status: criteria provided, single submitter. Criteria: Variantyx Assertion Criteria 2022. Collection method: clinical testing. Allele origin: germline. Inheritance: Autosomal dominant inheritance. Affected: yes.
Comment: This is a frameshift variant in the CDC42BPB gene (OMIM: 614062). Pathogenic variants in this gene have been associated with autosomal dominant Chilton-Okur-Chung neurodevelopmental syndrome. This variant introduces a premature termination codon in exon 10 out of 37 and is expected to result in loss of function, which is a known disease mechanism for CDC42BPB in this disorder (PMID: 32031333) (PVS1). This variant is absent from control populations (PM2) and it has not been reported in individuals with CDC42BPB-related disorders in the databases available for review. Based on the current evidence, this variant is classified as likely pathogenic for autosomal dominant Chilton-Okur-Chung neurodevelopmental syndrome.

Literature cited by the submitters: PubMed 32031333.

NM_006035.4(CDC42BPB):c.1253_1259del (p.Ile418fs)

Gene: CDC42BPB (CDC42 binding protein kinase beta; minus strand). Cytogenetic location: 14q32.32.
Variant type: Deletion.
Coding change: c.1253_1259del on transcript NM_006035.4 (MANE Select); coding-DNA positions 1253 to 1259, 7 bases deleted (TAATGCA; older notation c.1253_1259delTAATGCA).
Protein change: p.Ile418fs; shifts the reading frame from isoleucine 418.
Molecular consequence: frameshift variant.
Genome position (GRCh38, 1-based): chr14:102,976,011-102,976,017, TGCATTA deleted on the plus strand (TAATGCA on the coding strand, the reverse complement: CDC42BPB is on the minus strand); deleting any 7 consecutive bases within chr14:102,976,011-102,976,020 gives the same sequence; the c. name uses the placement nearest the transcript's 3' end. VCF-style (leftmost placement, unchanged base first): chr14-102976010-CTGCATTA-C. GRCh37 (hg19) VCF-style: chr14-103442347-CTGCATTA-C.
Other names: c.1253_1259del, p.Ile418fs (NM_001411054.1); short protein forms I418fs.
Identifiers: ClinVar variation 4849986 (VCV004849986.1).